The following is an entry in ClinVar:

NM_012330.4(KAT6B):c.236G>A (p.Arg79His)

Gene: KAT6B (lysine acetyltransferase 6B; plus strand). Cytogenetic location: 10q22.2.
Variant type: single nucleotide variant.
Coding change: c.236G>A on transcript NM_012330.4 (MANE Select); coding-DNA position 236, G replaced by A.
Protein change: p.Arg79His; replaces arginine 79 with histidine.
Molecular consequence: missense variant. On other transcripts: 5 prime UTR variant (2).
Genome position (GRCh38, 1-based): chr10:74,843,093, G>A. VCF-style: chr10-74843093-G-A. GRCh37 (hg19) VCF-style: chr10-76602851-G-A.
Other names: c.236G>A, p.Arg79His (NM_001256468.2, NM_001256469.2, NM_001370132.1 and 10 more transcripts); c.-303G>A (NM_001370134.1, NM_001370135.1); short protein forms R79H.
Identifiers: ClinVar variation 3632281 (VCV003632281.2).

ClinVar aggregate classification (germline): Uncertain significance (1 of 4 stars; one submission).

Conditions:
Genitopatellar syndrome (GTPTS). Also called: ABSENT PATELLAE, SCROTAL HYPOPLASIA, RENAL ANOMALIES, FACIAL DYSMORPHISM, AND MENTAL RETARDATION; Genitopatellar syndrome (GPS). Identifiers: Orphanet 85201, MedGen C1853566, MONDO:0011640, OMIM 606170.

gnomAD v4.1: 4 of 1,614,052 alleles (0.00025%); highest among the groups gnomAD compares: South Asian, 0.0011%; no homozygotes.

Submission:

Labcorp Genetics (formerly Invitae), Labcorp
Classification: Uncertain significance for Genitopatellar syndrome. Last evaluated: 2024-12-04. Review status: criteria provided, single submitter. Criteria: Invitae Variant Classification Sherloc (09022015). Collection method: clinical testing. Allele origin: germline.
Comment: This sequence change replaces arginine, which is basic and polar, with histidine, which is basic and polar, at codon 79 of the KAT6B protein (p.Arg79His). This variant is present in population databases (no rsID available, gnomAD 0.003%). This missense change has been observed in individual(s) with KAT6B-related conditions (PMID: 33004838). Invitae Evidence Modeling of protein sequence and biophysical properties (such as structural, functional, and spatial information, amino acid conservation, physicochemical variation, residue mobility, and thermodynamic stability) indicates that this missense variant is not expected to disrupt KAT6B protein function with a negative predictive value of 80%. In summary, the available evidence is currently insufficient to determine the role of this variant in disease. Therefore, it has been classified as a Variant of Uncertain Significance.

Literature cited by the submitters: PubMed 33004838.